The following is an entry in ClinVar:

ClinVar aggregate classification (germline): Uncertain significance. Review status: criteria provided, multiple submitters, no conflicts (2 of 4 stars). 2 submissions from 2 submitters: Uncertain significance (2). Last evaluated 2025-10-07.

Conditions:
Hereditary cancer-predisposing syndrome. Also called: Neoplastic Syndromes, Hereditary; Hereditary Cancer Syndrome; Tumor predisposition; Hereditary neoplastic syndrome. Identifiers: Orphanet 140162, MedGen C0027672, MeSH D009386, MONDO:0015356.

Allele frequency attached by ClinVar (database versions not stated): gnomAD 0.00001; TOPMed 0.00001.
gnomAD v4.1: 1 of 1,612,020 alleles (0.000062%); highest among the groups gnomAD compares: African/African-American, 0.0013%; no homozygotes.

Submissions (2):

Ambry Genetics
Classification: Uncertain significance for Hereditary cancer-predisposing syndrome. Last evaluated: 2025-10-07. Review status: criteria provided, single submitter. Criteria: Ambry Variant Classification Scheme 2023. Collection method: clinical testing. Allele origin: germline.

Labcorp Genetics (formerly Invitae), Labcorp
Classification: Uncertain significance. Last evaluated: 2024-11-03. Review status: criteria provided, single submitter. Criteria: Invitae Variant Classification Sherloc (09022015). Collection method: clinical testing. Allele origin: germline.
Comment: This sequence change replaces valine, which is neutral and non-polar, with alanine, which is neutral and non-polar, at codon 783 of the POLE protein (p.Val783Ala). This variant is not present in population databases (gnomAD no frequency). This variant has not been reported in the literature in individuals affected with POLE-related conditions. ClinVar contains an entry for this variant (Variation ID: 573647). Invitae Evidence Modeling of protein sequence and biophysical properties (such as structural, functional, and spatial information, amino acid conservation, physicochemical variation, residue mobility, and thermodynamic stability) indicates that this missense variant is not expected to disrupt POLE protein function with a negative predictive value of 80%. In summary, the available evidence is currently insufficient to determine the role of this variant in disease. Therefore, it has been classified as a Variant of Uncertain Significance.

NM_006231.4(POLE):c.2348T>C (p.Val783Ala)

Gene: POLE (DNA polymerase epsilon, catalytic subunit; minus strand). Cytogenetic location: 12q24.33.
Variant type: single nucleotide variant.
Coding change: c.2348T>C on transcript NM_006231.4 (MANE Select); coding-DNA position 2348, T replaced by C.
Protein change: p.Val783Ala; replaces valine 783 with alanine.
Molecular consequence: missense variant.
Genome position (GRCh38, 1-based): chr12:132,665,422, A>G on the plus strand (T>C on the coding strand, the complement: POLE is on the minus strand). VCF-style: chr12-132665422-A-G. GRCh37 (hg19) VCF-style: chr12-133242008-A-G.
Other names: c.2348T>C (NM_006231.2); short protein forms V783A.
Identifiers: ClinVar variation 573647 (VCV000573647.10), dbSNP rs1269621526, ClinGen allele CA387397810.